The following is an entry in ClinVar:

NM_001384125.1(BLTP1):c.6197T>A (p.Met2066Lys)

Gene: BLTP1 (bridge-like lipid transfer protein family member 1; plus strand). Cytogenetic location: 4q27.
Variant type: single nucleotide variant.
Coding change: c.6197T>A on transcript NM_001384125.1 (MANE Select); coding-DNA position 6197, T replaced by A.
Protein change: p.Met2066Lys; replaces methionine 2066 with lysine.
Molecular consequence: missense variant.
Genome position (GRCh38, 1-based): chr4:122,254,927, T>A. VCF-style: chr4-122254927-T-A. GRCh37 (hg19) VCF-style: chr4-123176082-T-A.
Other names: c.6197T>A, p.Met2066Lys (NM_015312.4); short protein forms M2066K.
Identifiers: ClinVar variation 1806518 (VCV001806518.1), dbSNP rs2478906421, ClinGen allele CA358059252.

ClinVar aggregate classification (germline): Uncertain significance (1 of 4 stars; one submission).

Submission:

GeneDx
Classification: Uncertain significance. Last evaluated: 2022-06-22. Review status: criteria provided, single submitter. Criteria: GeneDx Variant Classification Process June 2021. Collection method: clinical testing. Allele origin: germline. Affected: yes.
Comment: Not observed at significant frequency in large population cohorts (gnomAD); In silico analysis supports that this missense variant does not alter protein structure/function; Has not been previously published as pathogenic or benign to our knowledge